The following is an entry in ClinVar:

NM_000064.4(C3):c.4350+6G>T

Gene: C3 (complement C3; minus strand). Cytogenetic location: 19p13.3.
Variant type: single nucleotide variant.
Coding change: c.4350+6G>T on transcript NM_000064.4 (MANE Select); 6 bases into the intron after coding-DNA position 4350, G replaced by T.
Molecular consequence: intron variant.
Genome position (GRCh38, 1-based): chr19:6,681,935, C>A on the plus strand (G>T on the coding strand, the complement: C3 is on the minus strand). VCF-style: chr19-6681935-C-A. GRCh37 (hg19) VCF-style: chr19-6681946-C-A.
Identifiers: ClinVar variation 1336788 (VCV001336788.8), dbSNP rs369993135, ClinGen allele CA9128427.

ClinVar aggregate classification (germline): Uncertain significance. Review status: criteria provided, multiple submitters, no conflicts (2 of 4 stars). 2 submissions from 2 submitters: Uncertain significance (2). Last evaluated 2025-04-01.

Allele frequency attached by ClinVar (database versions not stated): ExAC 0.00003; ESP Exome Variant Server 0.00015; 1000 Genomes Project 30x 0.00016; 1000 Genomes Project 0.00020.
gnomAD v4.1: 31 of 1,609,124 alleles (0.0019%); highest among the groups gnomAD compares: African/African-American, 0.037%; no homozygotes.

Submissions (2):

Labcorp Genetics (formerly Invitae), Labcorp
Classification: Uncertain significance. Last evaluated: 2025-04-01. Review status: criteria provided, single submitter. Criteria: Invitae Variant Classification Sherloc (09022015). Collection method: clinical testing. Allele origin: germline.
Comment: This sequence change falls in intron 35 of the C3 gene. It does not directly change the encoded amino acid sequence of the C3 protein. It affects a nucleotide within the consensus splice site. This variant is present in population databases (rs369993135, gnomAD 0.02%). This variant has not been reported in the literature in individuals affected with C3-related conditions. ClinVar contains an entry for this variant (Variation ID: 1336788). Variants that disrupt the consensus splice site are a relatively common cause of aberrant splicing (PMID: 17576681, 9536098). Algorithms developed to predict the effect of sequence changes on RNA splicing suggest that this variant is not likely to affect RNA splicing. In summary, the available evidence is currently insufficient to determine the role of this variant in disease. Therefore, it has been classified as a Variant of Uncertain Significance.

Genetic Services Laboratory, University of Chicago
Classification: Uncertain significance. Last evaluated: 2018-08-03. Review status: criteria provided, single submitter. Criteria: ACMG Guidelines, 2015. Collection method: clinical testing. Allele origin: germline. Affected: no.

Literature cited by the submitters: PubMed 17576681 (cited by Labcorp Genetics (formerly Invitae), Labcorp); PubMed 9536098 (cited by Labcorp Genetics (formerly Invitae), Labcorp).